The following is an entry in ClinVar:

ClinVar aggregate classification (germline): Uncertain significance. Review status: criteria provided, multiple submitters, no conflicts (2 of 4 stars). 3 submissions from 3 submitters: Uncertain significance (2). 1 of the submissions does not count toward it. Last evaluated 2022-08-20.

Conditions:
Alstrom syndrome (ALMS). Identifiers: Orphanet 64, MedGen C0268425, MONDO:0008763, OMIM 203800.

Allele frequency attached by ClinVar (database versions not stated): TOPMed 0.00006.
gnomAD v4.1: 8 of 1,613,978 alleles (0.0005%); highest among the groups gnomAD compares: East Asian, 0.018%; no homozygotes.

Submissions (3):

Labcorp Genetics (formerly Invitae), Labcorp
Classification: Uncertain significance for Alstrom syndrome. Last evaluated: 2022-08-20. Review status: criteria provided, single submitter. Criteria: Invitae Variant Classification Sherloc (09022015). Collection method: clinical testing. Allele origin: germline.
Comment: This sequence change replaces threonine, which is neutral and polar, with isoleucine, which is neutral and non-polar, at codon 2399 of the ALMS1 protein (p.Thr2399Ile). This variant is present in population databases (rs200470452, gnomAD 0.05%). This variant has not been reported in the literature in individuals affected with ALMS1-related conditions. ClinVar contains an entry for this variant (Variation ID: 1020095). Experimental studies and prediction algorithms are not available or were not evaluated, and the functional significance of this variant is currently unknown. In summary, the available evidence is currently insufficient to determine the role of this variant in disease. Therefore, it has been classified as a Variant of Uncertain Significance.

Women's Health and Genetics/Laboratory Corporation of America, LabCorp
Classification: Uncertain significance. Last evaluated: 2022-07-05. Review status: criteria provided, single submitter. Criteria: LabCorp Variant Classification Summary - May 2015. Collection method: clinical testing. Allele origin: germline.
Comment: Variant summary: ALMS1 c.7190C>T [p.Thr2397Ile] (also known as c.7196C>T, p.Thr2399Ile in RefSeq) results in a non-conservative amino acid change in the encoded protein sequence. Three of five in-silico tools predict a damaging effect of the variant on protein function. The variant allele was found at a frequency of 4e-05 in 249356 control chromosomes (gnomAD). This frequency is not significantly higher than expected for a pathogenic variant in ALMS1 causing Alstrom Syndrome With Dilated Cardiomyopathy (4e-05 vs 0.0018), allowing no conclusion about variant significance. c.7190C>T has been reported in the literature in individuals affected with Retinitis Pigmentosa (Xu_2015), however this report does not provide unequivocal conclusions about association of the variant with Alstrom Syndrome With Dilated Cardiomyopathy. To our knowledge, no experimental evidence demonstrating an impact on protein function has been reported. Two ClinVar submitters have assessed the variant since 2014: both classified the variant as of uncertain significance. Based on the evidence outlined above, the variant was classified as uncertain significance.

Natera, Inc.
Classification: Uncertain significance for Alstrom syndrome. Last evaluated: 2020-08-18. Review status: no assertion criteria provided. Collection method: clinical testing. Allele origin: germline. Not counted in ClinVar's aggregate classification.

Literature cited by the submitters: PubMed 25999675 (cited by Women's Health and Genetics/Laboratory Corporation of America, LabCorp).

NM_001378454.1(ALMS1):c.7193C>T (p.Thr2398Ile)

Gene: ALMS1 (ALMS1 centrosome and basal body associated protein; plus strand). Cytogenetic location: 2p13.1.
Variant type: single nucleotide variant.
Coding change: c.7193C>T on transcript NM_001378454.1 (MANE Select); coding-DNA position 7193, C replaced by T.
Protein change: p.Thr2398Ile; replaces threonine 2398 with isoleucine.
Molecular consequence: missense variant.
Genome position (GRCh38, 1-based): chr2:73,453,720, C>T. VCF-style: chr2-73453720-C-T. GRCh37 (hg19) VCF-style: chr2-73680847-C-T.
Other names: c.7196C>T, p.Thr2399Ile (NM_015120.4); short protein forms T2398I, T2399I.
Identifiers: ClinVar variation 1020095 (VCV001020095.7), dbSNP rs200470452, ClinGen allele CA1714193.